The following is an entry in ClinVar:

NM_003628.6(PKP4):c.2707G>T (p.Val903Phe)

Genes: PKP4 (plakophilin 4; plus strand), PKP4-AS1 (PKP4 antisense RNA 1; minus strand). Cytogenetic location: 2q24.1.
Variant type: single nucleotide variant.
Coding change: c.2707G>T on transcript NM_003628.6 (MANE Select); coding-DNA position 2707, G replaced by T.
Protein change: p.Val903Phe; replaces valine 903 with phenylalanine.
Molecular consequence: missense variant.
Genome position (GRCh38, 1-based): chr2:158,666,542, G>T. VCF-style: chr2-158666542-G-T. GRCh37 (hg19) VCF-style: chr2-159523054-G-T.
Other names: c.2707G>T, p.Val903Phe (NM_001005476.4, NM_001304971.2, NM_001377218.1 and 1 more transcripts); c.2704G>T, p.Val902Phe (NM_001304969.3, NM_001377219.1, NM_001377220.1 and 2 more transcripts); c.1678G>T, p.Val560Phe (NM_001304970.3); c.2701G>T, p.Val901Phe (NM_001377222.1, NM_001377223.1); c.2698G>T, p.Val900Phe (NM_001377224.1); short protein forms V560F, V900F, V901F, V902F, V903F.
Identifiers: ClinVar variation 3223511 (VCV003223511.1), dbSNP rs367613300, ClinGen allele CA58641957.

ClinVar aggregate classification (germline): Uncertain significance (1 of 4 stars; one submission).

gnomAD v4.1: 8 of 1,612,462 alleles (0.0005%); highest among the groups gnomAD compares: Non-Finnish European, 0.00051%; no homozygotes.

Submission:

Ambry Genetics
Classification: Uncertain significance. Last evaluated: 2024-01-11. Review status: criteria provided, single submitter. Criteria: Ambry Variant Classification Scheme 2023. Collection method: clinical testing. Allele origin: germline.
Comment: The p.V903F variant (also known as c.2707G>T), located in coding exon 15 of the PKP4 gene, results from a G to T substitution at nucleotide position 2707. The valine at codon 903 is replaced by phenylalanine, an amino acid with highly similar properties. This amino acid position is conserved. In addition, the in silico prediction for this alteration is inconclusive. Since supporting evidence is limited at this time, the clinical significance of this alteration remains unclear.